The following is an entry in ClinVar:

ClinVar aggregate classification (germline): Likely benign (1 of 4 stars; one submission).

Conditions:
CYP7A1-related disorder. Also called: CYP7A1-related condition.

Submission:

PreventionGenetics, part of Exact Sciences
Classification: Likely benign for CYP7A1-related condition. Last evaluated: 2024-10-30. Review status: criteria provided, single submitter. Criteria: ACMG Guidelines, 2015. Collection method: clinical testing. Allele origin: germline.
Comment: This variant is classified as likely benign based on ACMG/AMP sequence variant interpretation guidelines (Richards et al. 2015 PMID: 25741868, with internal and published modifications).

NM_000780.4(CYP7A1):c.741C>A (p.Leu247=)

Gene: CYP7A1 (cytochrome P450 family 7 subfamily A member 1; minus strand). Cytogenetic location: 8q12.1.
Variant type: single nucleotide variant.
Coding change: c.741C>A on transcript NM_000780.4 (MANE Select); coding-DNA position 741, C replaced by A.
Protein change: p.Leu247=; no amino-acid change (leucine 247 retained).
Molecular consequence: synonymous variant.
Genome position (GRCh38, 1-based): chr8:58,496,771, G>T on the plus strand (C>A on the coding strand, the complement: CYP7A1 is on the minus strand). VCF-style: chr8-58496771-G-T. GRCh37 (hg19) VCF-style: chr8-59409330-G-T.
Identifiers: ClinVar variation 4984559 (VCV004984559.1).
Genomic context (GRCh38, chr8:58,496,771, plus strand): 5'-CAAAGTGTCATTGAGAAACATGCGCAGGCTGATCAGTTCTGAGATGCTTTCCCTCTTTTG[G>T]AGGTTCTCGTGCCTCAAGCTCTCTGCCAGTTTCTCCCGGGCATTGTGCGCAGTCCTGAAC-3'
Protein context (NP_000771.2, residues 237-257): KLAESLRHEN[Leu247=]QKRESISELI